The following is an entry in ClinVar:

ClinVar aggregate classification (germline): Pathogenic (1 of 4 stars; one submission).

Conditions:
Hereditary cancer-predisposing syndrome. Also called: Neoplastic Syndromes, Hereditary; Tumor predisposition; Hereditary neoplastic syndrome; Hereditary Cancer Syndrome. Identifiers: Orphanet 140162, MedGen C0027672, MeSH D009386, MONDO:0015356.
Cardiovascular phenotype. Identifiers: MedGen CN230736.

Submission:

Ambry Genetics
Classification: Pathogenic for Cardiovascular phenotype; Hereditary cancer-predisposing syndrome. Last evaluated: 2024-01-16. Review status: criteria provided, single submitter. Criteria: Ambry Variant Classification Scheme 2023. Collection method: clinical testing. Allele origin: germline.
Comment: The c.1907dupC pathogenic mutation, located in coding exon 17 of the NF1 gene, results from a duplication of C at nucleotide position 1907, causing a translational frameshift with a predicted alternate stop codon (p.S637*). This variant is considered to be rare based on population cohorts in the Genome Aggregation Database (gnomAD). This alteration is expected to result in loss of function by premature protein truncation or nonsense-mediated mRNA decay. As such, this alteration is interpreted as a disease-causing mutation.

NM_001042492.3(NF1):c.1907dup (p.Ser636_Ser637insTer)

Gene: NF1 (neurofibromin 1; plus strand). Cytogenetic location: 17q11.2.
Variant type: Duplication.
Coding change: c.1907dup on transcript NM_001042492.3 (MANE Select); coding-DNA position 1907, one base duplicated (C; older notation c.1907dupC).
Protein change: p.Ser636_Ser637insTer.
Molecular consequence: frameshift variant. On other transcripts: nonsense (1).
Genome position (GRCh38, 1-based): chr17:31,225,156, C duplicated. VCF-style (leftmost placement, unchanged base first): chr17-31225155-T-TC. GRCh37 (hg19) VCF-style: chr17-29552173-T-TC.
Other names: c.1907dupC (NM_000267.3); c.1907dup, p.Ser637Terfs (NM_000267.4).
Identifiers: ClinVar variation 3238454 (VCV003238454.1), dbSNP rs2508141306.